The following is an entry in ClinVar:

ClinVar aggregate classification (germline): Likely benign. Review status: criteria provided, single submitter (1 of 4 stars). 2 submissions from 2 submitters: Likely benign (1). 1 of the submissions does not count toward it. Last evaluated 2026-01-20.

Conditions:
ATP8B1-related disorder. Also called: ATP8B1-related disorders; ATP8B1-related condition.

Allele frequency attached by ClinVar (database versions not stated): ExAC 0.00002.
gnomAD v4.1: 4 of 1,613,754 alleles (0.00025%); highest among the groups gnomAD compares: Middle Eastern, 0.016%; no homozygotes.

Submissions (2):

Labcorp Genetics (formerly Invitae), Labcorp
Classification: Likely benign. Last evaluated: 2026-01-20. Review status: criteria provided, single submitter. Criteria: Invitae Variant Classification Sherloc (09022015). Collection method: clinical testing. Allele origin: germline.

PreventionGenetics, part of Exact Sciences
Classification: Likely benign for ATP8B1-related condition. Last evaluated: 2021-06-10. Review status: no assertion criteria provided. Collection method: clinical testing. Allele origin: germline. Not counted in ClinVar's aggregate classification.
Comment: This variant is classified as likely benign based on ACMG/AMP sequence variant interpretation guidelines (Richards et al. 2015 PMID: 25741868, with internal and published modifications).

NM_001374385.1(ATP8B1):c.3003G>C (p.Gly1001=)

Genes: ATP8B1 (ATPase phospholipid transporting 8B1; minus strand), ATP8B1-AS1 (ATP8B1 antisense RNA 1; plus strand). Cytogenetic location: 18q21.31.
Variant type: single nucleotide variant.
Coding change: c.3003G>C on transcript NM_001374385.1 (MANE Select); coding-DNA position 3003, G replaced by C.
Protein change: p.Gly1001=; no amino-acid change (glycine 1001 retained).
Molecular consequence: synonymous variant.
Genome position (GRCh38, 1-based): chr18:57,654,004, C>G on the plus strand (G>C on the coding strand, the complement: ATP8B1 is on the minus strand). VCF-style: chr18-57654004-C-G. GRCh37 (hg19) VCF-style: chr18-55321236-C-G.
Other names: c.3003G>C (NM_005603.4); c.2853G>C, p.Gly951= (NM_001374386.1); c.3003G>C, p.Gly1001= (NM_005603.6).
Identifiers: ClinVar variation 2979577 (VCV002979577.5), dbSNP rs745784605, ClinGen allele CA8974106.